The following is an entry in ClinVar:

ClinVar aggregate classification (germline): Uncertain significance (1 of 4 stars; one submission).

Conditions:
Dyskeratosis congenita. Identifiers: Orphanet 1775, MedGen C0265965, MONDO:0015780.

gnomAD v4.1: 5 of 1,614,186 alleles (0.00031%); highest among the groups gnomAD compares: East Asian, 0.0022%; no homozygotes.

Submission:

Labcorp Genetics (formerly Invitae), Labcorp
Classification: Uncertain significance for Dyskeratosis congenita. Last evaluated: 2025-11-13. Review status: criteria provided, single submitter. Criteria: Invitae Variant Classification Sherloc (09022015). Collection method: clinical testing. Allele origin: germline.
Comment: This sequence change replaces isoleucine, which is neutral and non-polar, with leucine, which is neutral and non-polar, at codon 437 of the TINF2 protein (p.Ile437Leu). This variant is present in population databases (rs777060713, gnomAD 0.006%). This variant has not been reported in the literature in individuals affected with TINF2-related conditions. An algorithm developed to predict the effect of missense changes on protein structure and function outputs the following: PolyPhen-2: "Benign". The leucine amino acid residue is found in multiple mammalian species, which suggests that this missense change does not adversely affect protein function. In summary, the available evidence is currently insufficient to determine the role of this variant in disease. Therefore, it has been classified as a Variant of Uncertain Significance.

NM_001099274.3(TINF2):c.1309A>T (p.Ile437Leu)

Gene: TINF2 (TERF1 interacting nuclear factor 2; minus strand). Cytogenetic location: 14q12.
Variant type: single nucleotide variant.
Coding change: c.1309A>T on transcript NM_001099274.3 (MANE Select); coding-DNA position 1309, A replaced by T.
Protein change: p.Ile437Leu; replaces isoleucine 437 with leucine.
Molecular consequence: missense variant. On other transcripts: 3 prime UTR variant (1).
Genome position (GRCh38, 1-based): chr14:24,239,844, T>A on the plus strand (A>T on the coding strand, the complement: TINF2 is on the minus strand). VCF-style: chr14-24239844-T-A. GRCh37 (hg19) VCF-style: chr14-24709050-T-A.
Other names: c.1204A>T, p.Ile402Leu (NM_001363668.2); c.*571A>T (NM_012461.3); short protein forms I402L, I437L.
Identifiers: ClinVar variation 4739869 (VCV004739869.1).